The following is an entry in ClinVar:

ClinVar aggregate classification (germline): Likely benign (1 of 4 stars; one submission).

Conditions:
KBG syndrome (KBGS). Also called: ANKRD11-Related KBG Syndrome. Identifiers: Orphanet 2332, MedGen C0220687, MONDO:0007846, OMIM 148050.

gnomAD v4.1: 6 of 1,608,598 alleles (0.00037%); highest among the groups gnomAD compares: Non-Finnish European, 0.00042%; no homozygotes.

Submission:

Victorian Clinical Genetics Services, Murdoch Childrens Research Institute
Classification: Likely benign for KBG syndrome. Last evaluated: 2021-05-06. Review status: criteria provided, single submitter. Criteria: ACMG Guidelines, 2015. Collection method: clinical testing. Allele origin: germline. Inheritance: Autosomal dominant inheritance. Affected: yes.
Comment: Based on the classification scheme VCGS_Germline_v1.3.4, this variant is classified as Likely benign. Following criteria are met: 0102 - Loss of function is a known mechanism of disease in this gene and is associated with KBG syndrome (MIM#148050). (I) 0107 - This gene is associated with autosomal dominant disease. (I) 0200 - Variant is predicted to result in a missense amino acid change from glumatic acid to lysine. (I) 0251 - This variant is heterozygous. (I) 0301 - Variant is absent from gnomAD (both v2 and v3). (SP) 0309 - Two alternative amino acid changes at the same position has been observed in gnomAD (v3) (3 heterozygotes, 0 homozygotes, each). (I) 0503 - Missense variant consistently predicted to be tolerated by multiple in silico tools or not conserved in placental mammals with a minor amino acid change. (SB) 0604 - Variant is not located in an established domain, motif, hotspot or informative constraint region. (I) 0705 - No comparable missense variants have previous evidence for pathogenicity. (I) 0807 - This variant has no previous evidence of pathogenicity. (I) 0904 - Non-segregation of this variant with the phenotype under investigation has been clearly demonstrated. (SB) 1007 - No published functional evidence has been identified for this variant. (I) Legend: (SP) - Supporting pathogenic, (I) - Information, (SB) - Supporting benign

NM_013275.6(ANKRD11):c.6346G>A (p.Glu2116Lys)

Gene: ANKRD11 (ankyrin repeat domain 11; minus strand). Cytogenetic location: 16q24.3.
Variant type: single nucleotide variant.
Coding change: c.6346G>A on transcript NM_013275.6 (MANE Select); coding-DNA position 6346, G replaced by A.
Protein change: p.Glu2116Lys; replaces glutamic acid 2116 with lysine.
Molecular consequence: missense variant.
Genome position (GRCh38, 1-based): chr16:89,280,196, C>T on the plus strand (G>A on the coding strand, the complement: ANKRD11 is on the minus strand). VCF-style: chr16-89280196-C-T. GRCh37 (hg19) VCF-style: chr16-89346604-C-T.
Other names: c.6346G>A, p.Glu2116Lys (NM_001256182.2, NM_001256183.2); short protein forms E2116K.
Identifiers: ClinVar variation 1804922 (VCV001804922.1), dbSNP rs2544222757, ClinGen allele CA397151331.
Genomic context (GRCh38, chr16:89,280,196, plus strand): 5'-AGGGCCCCAGGTCCAGGTCGTCCTCGGGGCCGGCGAAGGCGTCCGCCCAGGGCACCGGCT[C>T]CACCTGGCCGAGGTGAGACAGGCCGCGGCTGCCGTCCAGGAAGCTATTTTCCAGGGGCCC-3'
Protein context (NP_037407.4, residues 2106-2126): SRGLSHLGQV[Glu2116Lys]PVPWADAFAG